The following is an entry in ClinVar:

ClinVar aggregate classification (germline): Uncertain significance (1 of 4 stars; one submission).

Allele frequency attached by ClinVar (database versions not stated): gnomAD 0.00001; TOPMed 0.00001.
gnomAD v4.1: 40 of 1,613,996 alleles (0.0025%); highest among the groups gnomAD compares: Non-Finnish European, 0.0031%; no homozygotes.

Submission:

Labcorp Genetics (formerly Invitae), Labcorp
Classification: Uncertain significance. Last evaluated: 2024-01-05. Review status: criteria provided, single submitter. Criteria: Invitae Variant Classification Sherloc (09022015). Collection method: clinical testing. Allele origin: germline.
Comment: This sequence change replaces proline, which is neutral and non-polar, with threonine, which is neutral and polar, at codon 609 of the VAV1 protein (p.Pro609Thr). This variant is present in population databases (no rsID available, gnomAD 0.006%). This variant has not been reported in the literature in individuals affected with VAV1-related conditions. An algorithm developed to predict the effect of missense changes on protein structure and function (PolyPhen-2) suggests that this variant is likely to be disruptive. In summary, the available evidence is currently insufficient to determine the role of this variant in disease. Therefore, it has been classified as a Variant of Uncertain Significance.

NM_005428.4(VAV1):c.1825C>A (p.Pro609Thr)

Gene: VAV1 (vav guanine nucleotide exchange factor 1; plus strand). Cytogenetic location: 19p13.3.
Variant type: single nucleotide variant.
Coding change: c.1825C>A on transcript NM_005428.4 (MANE Select); coding-DNA position 1825, C replaced by A.
Protein change: p.Pro609Thr; replaces proline 609 with threonine.
Molecular consequence: missense variant.
Genome position (GRCh38, 1-based): chr19:6,836,479, C>A. VCF-style: chr19-6836479-C-A. GRCh37 (hg19) VCF-style: chr19-6836490-C-A.
Other names: c.1825C>A, p.Pro609Thr (NM_001258206.2); c.1729C>A, p.Pro577Thr (NM_001258207.2); short protein forms P609T, P577T.
Identifiers: ClinVar variation 2971523 (VCV002971523.3), dbSNP rs888309098, ClinGen allele CA304816020.
Genomic context (GRCh38, chr19:6,836,479, plus strand): 5'-CCCTGTCCTCCAGGTCTGCCCAAGATGGAGGTGTTTCAGGAATACTACGGGCTTCCTCCA[C>A]CCCCTGGAGCCATTGGACCCTTTCTACGGCTCAACCCTGGAGACATTGTGGAGCTCACGA-3'
Protein context (NP_005419.2, residues 599-619): VFQEYYGLPP[Pro609Thr]PGAIGPFLRL